The following is an entry in ClinVar:

ClinVar aggregate classification (germline): Pathogenic/Likely pathogenic. Review status: criteria provided, multiple submitters, no conflicts (2 of 4 stars). 3 submissions from 3 submitters: Pathogenic (2); Likely pathogenic (1). Last evaluated 2024-12-26.

Conditions:
X-linked Alport syndrome (ATS1). Also called: NEPHROPATHY AND DEAFNESS, X-LINKED; COL4A5-Related Nephropathy. Identifiers: Orphanet 63, Orphanet 88917, MedGen C4746986, MONDO:0010520, OMIM 301050.
COL4A5-related disorders.

Submissions (3):

Labcorp Genetics (formerly Invitae), Labcorp
Classification: Pathogenic. Last evaluated: 2024-12-26. Review status: criteria provided, single submitter. Criteria: Invitae Variant Classification Sherloc (09022015). Collection method: clinical testing. Allele origin: germline.
Comment: This sequence change replaces glycine, which is neutral and non-polar, with serine, which is neutral and polar, at codon 1039 of the COL4A5 protein (p.Gly1039Ser). This variant is not present in population databases (gnomAD no frequency). This missense change has been observed in individuals with clinical features of Alport syndrome (PMID: 8940267; internal data). ClinVar contains an entry for this variant (Variation ID: 2506495). Invitae Evidence Modeling of protein sequence and biophysical properties (such as structural, functional, and spatial information, amino acid conservation, physicochemical variation, residue mobility, and thermodynamic stability) indicates that this missense variant is expected to disrupt COL4A5 protein function with a positive predictive value of 95%. This variant disrupts the triple helix domain of COL4A5. Glycine residues within the Gly-Xaa-Yaa repeats of the triple helix domain are required for the structure and stability of fibrillar collagens (PMID: 7695699, 8218237, 19344236). In COL4A5, missense variants at these glycine residues are significantly enriched in individuals with disease (PMID: 23720012, 27627812) compared to the general population (ExAC). For these reasons, this variant has been classified as Pathogenic.

Eurofins-Biomnis
Classification: Likely pathogenic for X-linked Alport syndrome. Last evaluated: 2022-12-01. Review status: criteria provided, single submitter. Criteria: Accession Criteria ClinVar Biomnis. Collection method: clinical testing. Allele origin: germline. Affected: yes. Observed: 1 heterozygote.

Blueprint Genetics
Classification: Pathogenic for COL4A5-related disorders. Last evaluated: 2020-12-16. Review status: criteria provided, single submitter. Criteria: ACMG Guidelines, 2015. Collection method: clinical testing. Allele origin: germline. Affected: yes. Observed: 1 variant allele.

Literature cited by the submitters: PubMed 8940267 (cited by Labcorp Genetics (formerly Invitae), Labcorp); PubMed 7695699 (cited by Labcorp Genetics (formerly Invitae), Labcorp); PubMed 8218237 (cited by Labcorp Genetics (formerly Invitae), Labcorp); PubMed 19344236 (cited by Labcorp Genetics (formerly Invitae), Labcorp); PubMed 23720012 (cited by Labcorp Genetics (formerly Invitae), Labcorp); PubMed 27627812 (cited by Labcorp Genetics (formerly Invitae), Labcorp).

NM_033380.3(COL4A5):c.3115G>A (p.Gly1039Ser)

Gene: COL4A5 (collagen type IV alpha 5 chain; plus strand). Cytogenetic location: Xq22.3.
Variant type: single nucleotide variant.
Coding change: c.3115G>A on transcript NM_033380.3 (MANE Select); coding-DNA position 3115, G replaced by A.
Protein change: p.Gly1039Ser; replaces glycine 1039 with serine.
Molecular consequence: missense variant.
Genome position (GRCh38, 1-based): chrX:108,626,218, G>A. VCF-style: chrX-108626218-G-A. GRCh37 (hg19) VCF-style: chrX-107869448-G-A.
Other names: c.3115G>A, p.Gly1039Ser (NM_000495.5); short protein forms G1039S.
Identifiers: ClinVar variation 2506495 (VCV002506495.4), dbSNP rs104886214, ClinGen allele CA258808.
Genomic context (GRCh38, chrX:108,626,218, plus strand): 5'-CCACAAGTAAAGCATATTTTGTAAAATATTATATATCACATATTTTCAACAGGGCCTCAG[G>A]GTGTGGAAGGGCCTCCTGGACCTTCTGGAGTTCCTGGACAACCTGGCTCCCCAGGATTAC-3'
Protein context (NP_203699.1, residues 1029-1049): IGDMGFPGPQ[Gly1039Ser]VEGPPGPSGV